The following is an entry in ClinVar:

NM_000016.6(ACADM):c.1A>G (p.Met1Val)

Gene: ACADM (acyl-CoA dehydrogenase medium chain; plus strand). Cytogenetic location: 1p31.1.
Variant type: single nucleotide variant.
Coding change: c.1A>G on transcript NM_000016.6 (MANE Select); coding-DNA position 1, A replaced by G.
Protein change: p.Met1Val; changes the start codon (methionine 1).
Molecular consequence: missense variant, initiator codon variant. On other transcripts: 5 prime UTR variant (2).
Genome position (GRCh38, 1-based): chr1:75,724,788, A>G. VCF-style: chr1-75724788-A-G. GRCh37 (hg19) VCF-style: chr1-76190473-A-G.
Other names: c.1A>G, p.Met1Val (NM_001127328.3, NM_001286043.2); c.-20A>G (NM_001286042.2); c.-297A>G (NM_001286044.2); c.1A>G (NM_000016.5); short protein forms M1V.
Identifiers: ClinVar variation 370802 (VCV000370802.14), dbSNP rs1057516778, ClinGen allele CA16040771.

ClinVar aggregate classification (germline): Pathogenic/Likely pathogenic. Review status: criteria provided, multiple submitters, no conflicts (2 of 4 stars). 3 submissions from 3 submitters: Pathogenic (1); Likely pathogenic (1). 1 of the submissions does not count toward it. Last evaluated 2024-10-22.

Conditions:
Medium-chain acyl-coenzyme A dehydrogenase deficiency (ACADMD). Also called: MCADH DEFICIENCY; MCADD; Medium chain acyl-CoA dehydrogenase deficiency; MCAD Deficiency; ACADM DEFICIENCY; CARNITINE DEFICIENCY SECONDARY TO MEDIUM-CHAIN ACYL-CoA DEHYDROGENASE DEFICIENCY. Identifiers: Orphanet 42, MedGen C0220710, MONDO:0008721, OMIM 201450.

Submissions (4):

Natera, Inc.
Classification: Likely pathogenic for Medium Chain Acyl-CoA Dehydrogenase Deficiency. Last evaluated: 2024-10-22. Review status: criteria provided, single submitter. Criteria: Natera Variant Classification Schema (03/2026). Collection method: clinical testing. Allele origin: germline.
Comment: The c.1A>G variant in ACADM is predicted to result in start loss due to disruption of the initiator methionine. This variant may result in a truncated or dysfunctional protein product. This variant is rare in the general population with a frequency below the threshold expected for the associated phenotype(s). Given the available evidence, this variant is classified as Likely Pathogenic.

Labcorp Genetics (formerly Invitae), Labcorp
Classification: Pathogenic for Medium-chain acyl-coenzyme A dehydrogenase deficiency. Last evaluated: 2023-09-21. Review status: criteria provided, single submitter. Criteria: Invitae Variant Classification Sherloc (09022015). Collection method: clinical testing. Allele origin: germline.
Comment: This sequence change affects the initiator methionine of the ACADM mRNA. The next in-frame methionine is located at codon 87. For these reasons, this variant has been classified as Pathogenic. ClinVar contains an entry for this variant (Variation ID: 370802). Disruption of the initiator codon has been observed in individual(s) with medium-chain acyl-coenzyme A dehydrogenase deficiency (PMID: 23028790, 30675864). In at least one individual the data is consistent with being in trans (on the opposite chromosome) from a pathogenic variant. This variant is not present in population databases (gnomAD no frequency).

Counsyl
Classification: Likely pathogenic for Medium-chain acyl-coenzyme A dehydrogenase deficiency. Last evaluated: 2016-04-20. Review status: no assertion criteria provided. Collection method: clinical testing. Allele origin: unknown. Not counted in ClinVar's aggregate classification.

Seelig Lab, University of Washington
No classification provided (evidence only). Review status: no classification provided. Collection method: in vitro. Allele origin: not applicable. Functional consequence: effect on translation. Not counted in ClinVar's aggregate classification.
ClinVar note: "not provided" was previously submitted as the classification for the variant. However, the classification appeared to be based only on an observation of functional data so it was converted to no classification on 2025-07-30.

Literature cited by the submitters: PubMed 23028790 (cited by Labcorp Genetics (formerly Invitae), Labcorp); PubMed 30675864 (cited by Labcorp Genetics (formerly Invitae), Labcorp).